The following is an entry in ClinVar:

NM_000143.4(FH):c.1199A>G (p.Asn400Ser)

Gene: FH (fumarate hydratase; minus strand). Cytogenetic location: 1q43.
Variant type: single nucleotide variant.
Coding change: c.1199A>G on transcript NM_000143.4 (MANE Select); coding-DNA position 1199, A replaced by G.
Protein change: p.Asn400Ser; replaces asparagine 400 with serine.
Molecular consequence: missense variant.
Genome position (GRCh38, 1-based): chr1:241,502,480, T>C on the plus strand (A>G on the coding strand, the complement: FH is on the minus strand). VCF-style: chr1-241502480-T-C. GRCh37 (hg19) VCF-style: chr1-241665780-T-C.
Other names: short protein forms N400S.
Identifiers: ClinVar variation 485569 (VCV000485569.20), dbSNP rs764430466, ClinGen allele CA1478531.

ClinVar aggregate classification (germline): Uncertain significance. Review status: criteria provided, multiple submitters, no conflicts (2 of 4 stars). 5 submissions from 5 submitters: Uncertain significance (4). 1 of the submissions does not count toward it. Last evaluated 2026-01-18.

Conditions:
Hereditary cancer-predisposing syndrome. Also called: Tumor predisposition; Hereditary neoplastic syndrome; Neoplastic Syndromes, Hereditary; Hereditary Cancer Syndrome. Identifiers: Orphanet 140162, MedGen C0027672, MeSH D009386, MONDO:0015356.
Fumarase deficiency (FMRD). Also called: Fumarate Hydratase Deficiency; Fumaric aciduria. Identifiers: Orphanet 24, MedGen C0342770, MONDO:0011730, OMIM 606812.

Allele frequency attached by ClinVar (database versions not stated): gnomAD 0.00001; ExAC 0.00002; TOPMed 0.00001; gnomAD exomes 0.00002 and 0.00001.

Submissions (5):

Labcorp Genetics (formerly Invitae), Labcorp
Classification: Uncertain significance. Last evaluated: 2026-01-18. Review status: criteria provided, single submitter. Criteria: Invitae Variant Classification Sherloc (09022015). Collection method: clinical testing. Allele origin: germline.
Comment: This sequence change replaces asparagine, which is neutral and polar, with serine, which is neutral and polar, at codon 400 of the FH protein (p.Asn400Ser). This variant is present in population databases (rs764430466, gnomAD 0.006%). This variant has not been reported in the literature in individuals affected with FH-related conditions. ClinVar contains an entry for this variant (Variation ID: 485569). An algorithm developed to predict the effect of missense changes on protein structure and function outputs the following: PolyPhen-2: "Benign". The serine amino acid residue is found in multiple mammalian species, which suggests that this missense change does not adversely affect protein function. In summary, the available evidence is currently insufficient to determine the role of this variant in disease. Therefore, it has been classified as a Variant of Uncertain Significance.

Dasa
Classification: Uncertain significance. Last evaluated: 2026-01-06. Review status: criteria provided, single submitter. Criteria: DASA Assertion Criteria. Collection method: clinical testing. Allele origin: germline.
Comment: NM_000143.4(FH):c.1199A>G (p.Asn400Ser) is a missense variant that results in the substitution of asparagine with serine. The affected residue or protein region has prior evidence supporting clinical relevance. This variant is rare in population databases. The currently available literature and clinical evidence are not sufficient to establish a definitive association between this variant and the reported condition. Therefore, this variant is classified as a variant of uncertain significance.

Ambry Genetics
Classification: Uncertain significance for Hereditary cancer-predisposing syndrome. Last evaluated: 2024-09-04. Review status: criteria provided, single submitter. Criteria: Ambry Variant Classification Scheme 2023. Collection method: clinical testing. Allele origin: germline.
Comment: The p.N400S variant (also known as c.1199A>G), located in coding exon 8 of the FH gene, results from an A to G substitution at nucleotide position 1199. The asparagine at codon 400 is replaced by serine, an amino acid with highly similar properties. This amino acid position is well conserved in available vertebrate species. In addition, this alteration is predicted to be tolerated by in silico analysis. Since supporting evidence is limited at this time, the clinical significance of this alteration remains unclear.

Breakthrough Genomics
Classification: Uncertain significance. Review status: criteria provided, single submitter. Criteria: ACMG Guidelines, 2015. Collection method: not provided. Allele origin: germline. Inheritance: Autosomal recessive inheritance. Affected: yes.

Natera, Inc.
Classification: Uncertain significance for Fumarase Deficiency. Last evaluated: 2019-10-28. Review status: no assertion criteria provided. Collection method: clinical testing. Allele origin: germline. Not counted in ClinVar's aggregate classification.